The following is an entry in ClinVar:

NM_001231.5(CASQ1):c.1074G>T (p.Trp358Cys)

Gene: CASQ1 (calsequestrin 1; plus strand). Cytogenetic location: 1q23.2.
Variant type: single nucleotide variant.
Coding change: c.1074G>T on transcript NM_001231.5 (MANE Select); coding-DNA position 1074, G replaced by T.
Protein change: p.Trp358Cys; replaces tryptophan 358 with cysteine.
Molecular consequence: missense variant.
Genome position (GRCh38, 1-based): chr1:160,201,259, G>T. VCF-style: chr1-160201259-G-T. GRCh37 (hg19) VCF-style: chr1-160171049-G-T.
Other names: short protein forms W358C.
Identifiers: ClinVar variation 2639497 (VCV002639497.24), dbSNP rs1397601281, ClinGen allele CA343263656.

ClinVar aggregate classification (germline): Uncertain significance (1 of 4 stars; one submission).

Allele frequency attached by ClinVar (database versions not stated): gnomAD exomes below 0.00001.
gnomAD v4.1: 2 of 1,613,360 alleles (0.00012%); highest among the groups gnomAD compares: Non-Finnish European, 0.000085%; no homozygotes.

Submission:

CeGaT Center for Human Genetics Tuebingen
Classification: Uncertain significance. Last evaluated: 2022-09-01. Review status: criteria provided, single submitter. Criteria: CeGaT Center For Human Genetics Tuebingen Variant Classification Criteria Version 2. Collection method: clinical testing. Allele origin: germline. Affected: yes. Observed: 1 variant allele.
Comment: CASQ1: PM2